The following is an entry in ClinVar:

NM_014140.4(SMARCAL1):c.49C>T (p.Arg17Ter)

Gene: SMARCAL1 (SNF2 related chromatin remodeling annealing helicase 1; plus strand). Cytogenetic location: 2q35.
Variant type: single nucleotide variant.
Coding change: c.49C>T on transcript NM_014140.4 (MANE Select); coding-DNA position 49, C replaced by T.
Protein change: p.Arg17Ter; replaces arginine 17 with a stop codon.
Molecular consequence: nonsense.
Genome position (GRCh38, 1-based): chr2:216,414,753, C>T. VCF-style: chr2-216414753-C-T. GRCh37 (hg19) VCF-style: chr2-217279476-C-T.
Other names: c.49C>T, p.Arg17Ter (NM_001127207.2); short protein forms R17*.
Identifiers: ClinVar variation 4172 (VCV000004172.12), dbSNP rs119473034, ClinGen allele CA253020.

ClinVar aggregate classification (germline): Pathogenic. Review status: criteria provided, multiple submitters, no conflicts (2 of 4 stars). 4 submissions from 4 submitters: Pathogenic (2). 2 of the submissions do not count toward it. Last evaluated 2024-02-19.

Conditions:
Schimke immuno-osseous dysplasia (SIOD). Also called: Schimke Immunoosseous Dysplasia. Identifiers: Orphanet 1830, MedGen C0877024, MONDO:0009458, OMIM 242900.

Allele frequency attached by ClinVar (database versions not stated): gnomAD exomes below 0.00001 and 0.00001; ExAC 0.00001.
gnomAD v4.1: 6 of 1,614,158 alleles (0.00037%); highest among the groups gnomAD compares: South Asian, 0.0011%; no homozygotes.

Submissions (4):

Labcorp Genetics (formerly Invitae), Labcorp
Classification: Pathogenic for Schimke immuno-osseous dysplasia. Last evaluated: 2024-02-19. Review status: criteria provided, single submitter. Criteria: Invitae Variant Classification Sherloc (09022015). Collection method: clinical testing. Allele origin: germline.
Comment: This sequence change creates a premature translational stop signal (p.Arg17*) in the SMARCAL1 gene. It is expected to result in an absent or disrupted protein product. Loss-of-function variants in SMARCAL1 are known to be pathogenic (PMID: 11799392, 20301550). This variant is present in population databases (rs119473034, gnomAD 0.003%). This premature translational stop signal has been observed in individual(s) with Schimke immuno-osseous dysplasia (PMID: 11799392). In at least one individual the data is consistent with being in trans (on the opposite chromosome) from a pathogenic variant. ClinVar contains an entry for this variant (Variation ID: 4172). For these reasons, this variant has been classified as Pathogenic.

Fulgent Genetics
Classification: Pathogenic for Schimke immuno-osseous dysplasia. Last evaluated: 2021-12-06. Review status: criteria provided, single submitter. Criteria: ACMG Guidelines, 2015. Collection method: clinical testing. Allele origin: unknown.

Natera, Inc.
Classification: Pathogenic for Schimke immuno-osseous dysplasia. Last evaluated: 2021-05-04. Review status: no assertion criteria provided. Collection method: clinical testing. Allele origin: germline. Not counted in ClinVar's aggregate classification.

OMIM
Classification: Pathogenic for SCHIMKE IMMUNOOSSEOUS DYSPLASIA. Last evaluated: 2002-02-01. Review status: no assertion criteria provided. Collection method: literature only. Allele origin: germline. Not counted in ClinVar's aggregate classification.

Literature cited by the submitters: PubMed 11799392 (cited by Labcorp Genetics (formerly Invitae), Labcorp and OMIM); PubMed 20301550 (cited by Labcorp Genetics (formerly Invitae), Labcorp).